The following is an entry in ClinVar:

NM_002473.6(MYH9):c.177G>A (p.Val59=)

Gene: MYH9 (myosin heavy chain 9; minus strand). Cytogenetic location: 22q12.3.
Variant type: single nucleotide variant.
Coding change: c.177G>A on transcript NM_002473.6 (MANE Select); coding-DNA position 177, G replaced by A.
Protein change: p.Val59=; no amino-acid change (valine 59 retained).
Molecular consequence: synonymous variant.
Genome position (GRCh38, 1-based): chr22:36,349,060, C>T on the plus strand (G>A on the coding strand, the complement: MYH9 is on the minus strand). VCF-style: chr22-36349060-C-T. GRCh37 (hg19) VCF-style: chr22-36745105-C-T.
Identifiers: ClinVar variation 3046020 (VCV003046020.2), dbSNP rs768073956, ClinGen allele CA10210707.

ClinVar aggregate classification (germline): Likely benign (0 of 4 stars; one submission).

Conditions:
MYH9-related disorder. Identifiers: MedGen C1854520.

Allele frequency attached by ClinVar (database versions not stated): gnomAD exomes below 0.00001; TOPMed below 0.00001; ExAC 0.00001.

Submission:

PreventionGenetics, part of Exact Sciences
Classification: Likely benign for MYH9-related condition. Last evaluated: 2023-03-16. Review status: no assertion criteria provided. Collection method: clinical testing. Allele origin: germline.
Comment: This variant is classified as likely benign based on ACMG/AMP sequence variant interpretation guidelines (Richards et al. 2015 PMID: 25741868, with internal and published modifications).